The following is an entry in ClinVar:

NM_001005373.4(LRSAM1):c.1203C>T (p.Leu401=)

Gene: LRSAM1 (leucine rich repeat and sterile alpha motif containing 1; plus strand). Cytogenetic location: 9q33.3.
Variant type: single nucleotide variant.
Coding change: c.1203C>T on transcript NM_001005373.4 (MANE Select); coding-DNA position 1203, C replaced by T.
Protein change: p.Leu401=; no amino-acid change (leucine 401 retained).
Molecular consequence: synonymous variant. On other transcripts: non-coding transcript variant (2).
Genome position (GRCh38, 1-based): chr9:127,485,779, C>T. VCF-style: chr9-127485779-C-T. GRCh37 (hg19) VCF-style: chr9-130248058-C-T.
Other names: c.1203C>T, p.Leu401= (NM_001005374.4, NM_001190723.3, NM_001384142.1 and 2 more transcripts); c.414C>T, p.Leu138= (NM_001384144.1).
Identifiers: ClinVar variation 1151599 (VCV001151599.32), dbSNP rs774735924, ClinGen allele CA5246890.

ClinVar aggregate classification (germline): Likely benign. Review status: criteria provided, multiple submitters, no conflicts (2 of 4 stars). 2 submissions from 2 submitters: Likely benign (2). Last evaluated 2024-09-01.

Conditions:
Charcot-Marie-Tooth disease axonal type 2P. Also called: Charcot-Marie-Tooth Neuropathy Type 2G; CHARCOT-MARIE-TOOTH DISEASE, AXONAL, TYPE 2G; CMT 2G; CHARCOT-MARIE-TOOTH NEUROPATHY, TYPE 2P. Identifiers: Orphanet 300319, Orphanet 99941, MedGen C3280797, MONDO:0013753, OMIM 614436.

gnomAD v4.1: 42 of 1,614,034 alleles (0.0026%); highest among the groups gnomAD compares: Middle Eastern, 0.033%; no homozygotes.

Submissions (2):

CeGaT Center for Human Genetics Tuebingen
Classification: Likely benign. Last evaluated: 2024-09-01. Review status: criteria provided, single submitter. Criteria: CeGaT Center For Human Genetics Tuebingen Variant Classification Criteria Version 2. Collection method: clinical testing. Allele origin: germline. Affected: yes. Observed: 2 variant alleles.
Comment: LRSAM1: BP4, BP7

Labcorp Genetics (formerly Invitae), Labcorp
Classification: Likely benign for Charcot-Marie-Tooth disease axonal type 2P. Last evaluated: 2023-09-03. Review status: criteria provided, single submitter. Criteria: Invitae Variant Classification Sherloc (09022015). Collection method: clinical testing. Allele origin: germline.